The following is an entry in ClinVar:

ClinVar aggregate classification (germline): Benign/Likely benign. Review status: criteria provided, multiple submitters, no conflicts (2 of 4 stars). 3 submissions from 3 submitters: Benign (1); Likely benign (2). Last evaluated 2026-01-29.

Conditions:
TTLL5-related disorder. Also called: TTLL5-related condition.

Allele frequency attached by ClinVar (database versions not stated): TOPMed 0.00005; 1000 Genomes Project 30x 0.00031; gnomAD exomes 0.00035 and 0.00080; 1000 Genomes Project 0.00040; gnomAD 0.00059 and 0.00060; ExAC 0.00085.
gnomAD v4.1: 606 of 1,612,504 alleles (0.038%); highest among the groups gnomAD compares: Non-Finnish European, 0.011%; 4 homozygotes.

Submissions (3):

PreventionGenetics, part of Exact Sciences
Classification: Likely benign for TTLL5-related condition. Last evaluated: 2026-01-29. Review status: criteria provided, single submitter. Criteria: ACMG Guidelines, 2015. Collection method: clinical testing. Allele origin: germline.
Comment: This variant is classified as likely benign based on ACMG/AMP sequence variant interpretation guidelines (Richards et al. 2015 PMID: 25741868, with internal and published modifications).

Labcorp Genetics (formerly Invitae), Labcorp
Classification: Benign. Last evaluated: 2025-01-24. Review status: criteria provided, single submitter. Criteria: Invitae Variant Classification Sherloc (09022015). Collection method: clinical testing. Allele origin: germline.

Blueprint Genetics
Classification: Likely benign. Last evaluated: 2024-10-17. Review status: criteria provided, single submitter. Criteria: ACMG Guidelines, 2015. Collection method: clinical testing. Allele origin: germline.

NM_015072.5(TTLL5):c.740+6A>G

Gene: TTLL5 (tubulin tyrosine ligase like 5; plus strand). Cytogenetic location: 14q24.3.
Variant type: single nucleotide variant.
Coding change: c.740+6A>G on transcript NM_015072.5 (MANE Select); 6 bases into the intron after coding-DNA position 740, A replaced by G.
Molecular consequence: intron variant.
Genome position (GRCh38, 1-based): chr14:75,707,713, A>G. VCF-style: chr14-75707713-A-G. GRCh37 (hg19) VCF-style: chr14-76174056-A-G.
Other names: c.740+6A>G (NM_015072.4).
Identifiers: ClinVar variation 1166667 (VCV001166667.11), dbSNP rs185044527, ClinGen allele CA7279053.